The following is an entry in ClinVar:

NM_003072.5(SMARCA4):c.1348G>T (p.Ala450Ser)

Gene: SMARCA4 (SWI/SNF related BAF chromatin remodeling complex subunit ATPase 4; plus strand). Cytogenetic location: 19p13.2.
Variant type: single nucleotide variant.
Coding change: c.1348G>T on transcript NM_003072.5 (MANE Select); coding-DNA position 1348, G replaced by T.
Protein change: p.Ala450Ser; replaces alanine 450 with serine.
Molecular consequence: missense variant. On other transcripts: non-coding transcript variant (1).
Genome position (GRCh38, 1-based): chr19:10,991,252, G>T. VCF-style: chr19-10991252-G-T. GRCh37 (hg19) VCF-style: chr19-11101928-G-T.
Other names: c.1348G>T, p.Ala450Ser (NM_001128844.3, NM_001128845.2, NM_001128846.2 and 4 more transcripts); short protein forms A450S.
Identifiers: ClinVar variation 845067 (VCV000845067.10), dbSNP rs1204677224, ClinGen allele CA404060875.

ClinVar aggregate classification (germline): Uncertain significance. Review status: criteria provided, multiple submitters, no conflicts (2 of 4 stars). 4 submissions from 4 submitters: Uncertain significance (4). Last evaluated 2024-04-05.

Conditions:
Intellectual disability, autosomal dominant 16 (CSS4). Also called: COFFIN-SIRIS SYNDROME 4. Identifiers: Orphanet 1465, MedGen C3553249, MONDO:0013821, OMIM 614609.
Hereditary cancer-predisposing syndrome. Also called: Tumor predisposition; Hereditary neoplastic syndrome; Neoplastic Syndromes, Hereditary; Hereditary Cancer Syndrome. Identifiers: Orphanet 140162, MedGen C0027672, MeSH D009386, MONDO:0015356.
Rhabdoid tumor predisposition syndrome 2 (RTPS2). Identifiers: Orphanet 231108, Orphanet 69077, MedGen C2750074, MONDO:0013224, OMIM 613325.

Submissions (4):

Labcorp Genetics (formerly Invitae), Labcorp
Classification: Uncertain significance for Rhabdoid tumor predisposition syndrome 2. Last evaluated: 2024-04-05. Review status: criteria provided, single submitter. Criteria: Invitae Variant Classification Sherloc (09022015). Collection method: clinical testing. Allele origin: germline.
Comment: This sequence change replaces alanine, which is neutral and non-polar, with serine, which is neutral and polar, at codon 450 of the SMARCA4 protein (p.Ala450Ser). This variant is not present in population databases (gnomAD no frequency). This variant has not been reported in the literature in individuals affected with SMARCA4-related conditions. ClinVar contains an entry for this variant (Variation ID: 845067). Advanced modeling of protein sequence and biophysical properties (such as structural, functional, and spatial information, amino acid conservation, physicochemical variation, residue mobility, and thermodynamic stability) has been performed at Invitae for this missense variant, however the output from this modeling did not meet the statistical confidence thresholds required to predict the impact of this variant on SMARCA4 protein function. In summary, the available evidence is currently insufficient to determine the role of this variant in disease. Therefore, it has been classified as a Variant of Uncertain Significance.

Ambry Genetics
Classification: Uncertain significance for Hereditary cancer-predisposing syndrome. Last evaluated: 2024-01-05. Review status: criteria provided, single submitter. Criteria: Ambry Variant Classification Scheme 2023. Collection method: clinical testing. Allele origin: germline.
Comment: The p.A450S variant (also known as c.1348G>T), located in coding exon 7 of the SMARCA4 gene, results from a G to T substitution at nucleotide position 1348. The alanine at codon 450 is replaced by serine, an amino acid with similar properties. This amino acid position is highly conserved in available vertebrate species. In addition, the in silico prediction for this alteration is inconclusive. Missense and in-frame variants in SMARCA4 are known to cause neurodevelopmental disorders; however, such associations with rhabdoid tumor predisposition syndrome including small cell carcinoma of the ovary-hypercalcemic type (SCCOHT) are exceedingly rare (Kosho T et al. Am J Med Genet C Semin Med Genet. 2014 Sep;166C(3):262-75; Jelinic P et al. Nat Genet. 2014 May;46(5):424-6). Since supporting evidence is limited at this time, the clinical significance of this alteration remains unclear.

Genome-Nilou Lab
Classification: Uncertain significance for Intellectual disability, autosomal dominant 16. Last evaluated: 2021-07-15. Review status: criteria provided, single submitter. Criteria: ACMG Guidelines, 2015. Collection method: clinical testing. Allele origin: germline. Affected: no.

Baylor Genetics
Classification: Uncertain significance for Intellectual disability, autosomal dominant 16. Last evaluated: 2018-05-30. Review status: criteria provided, single submitter. Criteria: ACMG Guidelines, 2015. Collection method: clinical testing. Allele origin: unknown. Affected: yes.
Comment: This variant was determined to be of uncertain significance according to ACMG Guidelines, 2015 [PMID:25741868].